The following is an entry in ClinVar:

ClinVar aggregate classification (germline): Uncertain significance. Review status: criteria provided, multiple submitters, no conflicts (2 of 4 stars). 2 submissions from 2 submitters: Uncertain significance (2). Last evaluated 2023-06-26.

Conditions:
Cardiovascular phenotype. Identifiers: MedGen CN230736.
Arrhythmogenic cardiomyopathy with wooly hair and keratoderma. Also called: PALMOPLANTAR KERATODERMA WITH LEFT VENTRICULAR CARDIOMYOPATHY AND WOOLLY HAIR; Carvajal syndrome; Arrhythmogenic cardiomyopathy with woolly hair and keratoderma; Dilated cardiomyopathy with woolly hair and keratoderma. Identifiers: Orphanet 65282, MedGen C1854063, MONDO:0011581, OMIM 605676.

Submissions (2):

All of Us Research Program, National Institutes of Health
Classification: Uncertain significance for Arrhythmogenic cardiomyopathy with wooly hair and keratoderma. Last evaluated: 2023-06-26. Review status: criteria provided, single submitter. Criteria: ACMG Guidelines, 2015. Collection method: clinical testing. Allele origin: germline. Inheritance: Autosomal dominant inheritance. Observed: 2 variant alleles, 2 heterozygotes.
Comment: This missense variant replaces arginine with glycine at codon 1848 of the DSP protein. Computational prediction suggests that this variant may not impact protein structure and function (internally defined REVEL score threshold <= 0.5, PMID: 27666373). To our knowledge, functional studies have not been reported for this variant. This variant has not been reported in individuals affected with DSP-related disorders in the literature. This variant has not been identified in the general population by the Genome Aggregation Database (gnomAD). The available evidence is insufficient to determine the role of this variant in disease conclusively. Therefore, this variant is classified as a Variant of Uncertain Significance.

This study involves interpretation of variants in research participants for the purpose of population health screening. Participant phenotype was not available at the time of variant classification. Additional details can be found in publication PMID: 35346344, PMCID: PMC8962531

Ambry Genetics
Classification: Uncertain significance for Cardiovascular phenotype. Last evaluated: 2016-08-09. Review status: criteria provided, single submitter. Criteria: Ambry Autosomal Dominant and X-Linked criteria (10/2015). Collection method: clinical testing. Allele origin: germline. Observed: 1 variant allele.
Comment: There is insufficient or conflicting evidence for classification of this alteration.

NM_004415.4(DSP):c.5542A>G (p.Arg1848Gly)

Gene: DSP (desmoplakin; plus strand). Cytogenetic location: 6p24.3.
Variant type: single nucleotide variant.
Coding change: c.5542A>G on transcript NM_004415.4 (MANE Select); coding-DNA position 5542, A replaced by G.
Protein change: p.Arg1848Gly; replaces arginine 1848 with glycine.
Molecular consequence: missense variant.
Genome position (GRCh38, 1-based): chr6:7,582,804, A>G. VCF-style: chr6-7582804-A-G. GRCh37 (hg19) VCF-style: chr6-7583037-A-G.
Other names: c.5542A>G (LRG_423t1); c.3745A>G, p.Arg1249Gly (NM_001008844.3); c.4213A>G, p.Arg1405Gly (NM_001319034.2); short protein forms R1848G, R1249G, R1405G.
Identifiers: ClinVar variation 263436 (VCV000263436.4), dbSNP rs886038805, ClinGen allele CA10587634.
Genomic context (GRCh38, chr6:7,582,804, plus strand): 5'-AGGCTGCAGAGGCTGGAGGATGAGCTGAATCGTGCAAAATCAACTCTAGAGGCAGAAACC[A>G]GGGTGAAACAGCGCCTGGAGTGTGAGAAACAGCAAATTCAGAATGACCTGAATCAGTGGA-3'
Protein context (NP_004406.2, residues 1838-1858): RAKSTLEAET[Arg1848Gly]VKQRLECEKQ